The following is an entry in ClinVar:

ClinVar aggregate classification (germline): Benign (3 of 4 stars; one submission).

Conditions:
Breast-ovarian cancer, familial, susceptibility to, 1 (BROVCA1). Also called: BRCA1 Hereditary Breast and Ovarian Cancer; OVARIAN CANCER, SUSCEPTIBILITY TO. Identifiers: Orphanet 145, MedGen C2676676, MONDO:0011450, OMIM 604370. Disease mechanism: loss of function.

Allele frequency attached by ClinVar (database versions not stated): gnomAD 0.45280 and 0.45360; TOPMed 0.45463; 1000 Genomes Project 0.50240; 1000 Genomes Project 30x 0.50406.
gnomAD v4.1: 68,697 of 152,172 alleles (45%); highest among the groups gnomAD compares: African/African-American, 69%; 17,305 homozygotes.

Submission:

Evidence-based Network for the Interpretation of Germline Mutant Alleles (ENIGMA)
Classification: Benign for Breast-ovarian cancer, familial 1. Last evaluated: 2015-01-12. Review status: reviewed by expert panel. Criteria: ENIGMA BRCA1/2 Classification Criteria (2015). Collection method: curation. Allele origin: germline.
Comment: Class 1 not pathogenic based on frequency >1% in an outbred sampleset. Frequency 0.3304 (Asian), 0.2846 (African), 0.3668 (European), derived from 1000 genomes (2012-04-30).

NM_007294.4(BRCA1):c.4358-1906T>A

Gene: BRCA1 (BRCA1 DNA repair associated; minus strand). Cytogenetic location: 17q21.31.
Variant type: single nucleotide variant.
Coding change: c.4358-1906T>A on transcript NM_007294.4 (MANE Select); 1906 bases into the intron before coding-DNA position 4358, T replaced by A.
Molecular consequence: intron variant.
Genome position (GRCh38, 1-based): chr17:43,078,520, A>T on the plus strand (T>A on the coding strand, the complement: BRCA1 is on the minus strand). VCF-style: chr17-43078520-A-T. GRCh37 (hg19) VCF-style: chr17-41230537-A-T.
Other names: IVS 13-1906T>A; c.908-1909T>A (NM_001408458.1, NM_001408461.1, NM_001408459.1 and 1 more transcripts); c.3470-1909T>A (NM_001407967.1); c.3977-1906T>A (NM_001407959.1); c.4091-1906T>A (NM_001407931.1, NM_001407932.1, NM_001407930.1 and 1 more transcripts); c.4214-1906T>A (NM_001407747.1, NM_001407745.1, NM_001407746.1 and 11 more transcripts); c.3974-1906T>A (NM_001407962.1); c.545-1906T>A (NM_001408512.1); and 99 more.
Identifiers: ClinVar variation 209393 (VCV000209393.2), dbSNP rs8176198, ClinGen allele CA276365.
Genomic context (GRCh38, chr17:43,078,520, plus strand): 5'-CCATGCCTGGCCAAGGCGGAAATATTTAATAAGTAAAAACAAATAGTTAAAAATTGCAAA[A>T]GTCTTCTATTCATTAAAAAGTCACTGATGACTGTAATTCATTTTGAGCTTTTATTAGAAA-3'